The following is an entry in ClinVar:

ClinVar aggregate classification (germline): Conflicting classifications of pathogenicity. Review status: criteria provided, conflicting classifications (1 of 4 stars). 4 submissions from 4 submitters: Uncertain significance (3); Likely benign (1). Last evaluated 2026-07-28.

Conditions:
Primary ciliary dyskinesia 9. Also called: CILIARY DYSKINESIA, PRIMARY, 9, WITH OR WITHOUT SITUS INVERSUS. Identifiers: Orphanet 244, MedGen C2676235, MONDO:0012906, OMIM 612444.
Primary ciliary dyskinesia. Also called: Ciliary dyskinesia. Identifiers: Orphanet 244, MedGen C0008780, MONDO:0016575, HP:0012265.

Allele frequency attached by ClinVar (database versions not stated): gnomAD 0.00010; gnomAD exomes 0.00012; TOPMed 0.00012; ESP Exome Variant Server 0.00015; ExAC 0.00016.

Submissions (4):

Myriad Genetics, Inc.
Classification: Uncertain significance for Primary ciliary dyskinesia 9. Last evaluated: 2026-07-28. Review status: criteria provided, single submitter. Criteria: Myriad Autosomal Dominant, Autosomal Recessive and X-Linked Classification Criteria (2023). Collection method: clinical testing. Allele origin: unknown.
Comment: NM_023036.4(DNAI2):c.1553G>A(R518Q) is a missense variant classified as a variant of uncertain significance in the context of primary ciliary dyskinesia, DNAI2-related. R518Q has not been observed in cases with relevant disease. Relevant functional assessments of this variant are not available in the literature. R518Q has been observed in referenced population frequency databases. In summary, there is insufficient evidence to classify NM_023036.4(DNAI2):c.1553G>A(R518Q) as pathogenic or benign. Please note: this variant was assessed in the context of healthy population screening.

Ambry Genetics
Classification: Uncertain significance for Primary ciliary dyskinesia. Last evaluated: 2025-05-01. Review status: criteria provided, single submitter. Criteria: Ambry Variant Classification Scheme 2023. Collection method: clinical testing. Allele origin: germline.

Blueprint Genetics
Classification: Likely benign. Last evaluated: 2023-09-06. Review status: criteria provided, single submitter. Criteria: ACMG Guidelines, 2015. Collection method: clinical testing. Allele origin: germline.

Labcorp Genetics (formerly Invitae), Labcorp
Classification: Uncertain significance for Primary ciliary dyskinesia. Last evaluated: 2022-07-06. Review status: criteria provided, single submitter. Criteria: Invitae Variant Classification Sherloc (09022015). Collection method: clinical testing. Allele origin: germline.
Comment: This sequence change replaces arginine, which is basic and polar, with glutamine, which is neutral and polar, at codon 518 of the DNAI2 protein (p.Arg518Gln). This variant is present in population databases (rs139051164, gnomAD 0.03%). This variant has not been reported in the literature in individuals affected with DNAI2-related conditions. Algorithms developed to predict the effect of missense changes on protein structure and function are either unavailable or do not agree on the potential impact of this missense change (SIFT: "Deleterious"; PolyPhen-2: "Possibly Damaging"; Align-GVGD: "Class C0"). In summary, the available evidence is currently insufficient to determine the role of this variant in disease. Therefore, it has been classified as a Variant of Uncertain Significance.

NM_023036.6(DNAI2):c.1553G>A (p.Arg518Gln)

Gene: DNAI2 (dynein axonemal intermediate chain 2; plus strand). Cytogenetic location: 17q25.1.
Variant type: single nucleotide variant.
Coding change: c.1553G>A on transcript NM_023036.6 (MANE Select); coding-DNA position 1553, G replaced by A.
Protein change: p.Arg518Gln; replaces arginine 518 with glutamine.
Molecular consequence: missense variant. On other transcripts: non-coding transcript variant (1).
Genome position (GRCh38, 1-based): chr17:74,312,061, G>A. VCF-style: chr17-74312061-G-A. GRCh37 (hg19) VCF-style: chr17-72308200-G-A.
Other names: c.1517G>A, p.Arg506Gln (NM_001172810.3); c.1553G>A, p.Arg518Gln (NM_001353167.2); short protein forms R506Q, R518Q.
Identifiers: ClinVar variation 1775107 (VCV001775107.7), dbSNP rs139051164, ClinGen allele CA8745831.